The following is an entry in ClinVar:

ClinVar aggregate classification (germline): Uncertain significance. Review status: criteria provided, multiple submitters, no conflicts (2 of 4 stars). 3 submissions from 3 submitters: Uncertain significance (3). Last evaluated 2021-10-31.

Conditions:
Atrial fibrillation, familial, 4 (ATFB4). Identifiers: MedGen C1862394, MONDO:0012677, OMIM 611493.
Long QT syndrome 6 (LQT6). Identifiers: Orphanet 101016, Orphanet 768, MedGen C3150953, MONDO:0013370, OMIM 613693.

Submissions (3):

Labcorp Genetics (formerly Invitae), Labcorp
Classification: Uncertain significance for Long QT syndrome 6. Last evaluated: 2021-10-31. Review status: criteria provided, single submitter. Criteria: Invitae Variant Classification Sherloc (09022015). Collection method: clinical testing. Allele origin: germline.
Comment: In summary, the available evidence is currently insufficient to determine the role of this variant in disease. Therefore, it has been classified as a Variant of Uncertain Significance. Algorithms developed to predict the effect of missense changes on protein structure and function (SIFT, PolyPhen-2, Align-GVGD) all suggest that this variant is likely to be tolerated. This variant has not been reported in the literature in individuals affected with KCNE2-related conditions. This variant is not present in population databases (gnomAD no frequency). This sequence change replaces serine, which is neutral and polar, with proline, which is neutral and non-polar, at codon 5 of the KCNE2 protein (p.Ser5Pro).

Fulgent Genetics
Classification: Uncertain significance for Atrial fibrillation, familial, 4; Long QT syndrome 6. Last evaluated: 2021-10-07. Review status: criteria provided, single submitter. Criteria: ACMG Guidelines, 2015. Collection method: clinical testing. Allele origin: unknown.

Women's Health and Genetics/Laboratory Corporation of America, LabCorp
Classification: Uncertain significance. Last evaluated: 2021-08-09. Review status: criteria provided, single submitter. Criteria: LabCorp Variant Classification Summary - May 2015. Collection method: clinical testing. Allele origin: germline.
Comment: Variant summary: KCNE2 c.13T>C (p.Ser5Pro) results in a non-conservative amino acid change in the encoded protein sequence. Three of five in-silico tools predict a benign effect of the variant on protein function. The variant was absent in 251306 control chromosomes. The available data on variant occurrences in the general population are insufficient to allow any conclusion about variant significance. To our knowledge, no occurrence of c.13T>C in individuals affected with Arrhythmia and no experimental evidence demonstrating its impact on protein function have been reported. No clinical diagnostic laboratories have submitted clinical-significance assessments for this variant to ClinVar after 2014. Based on the evidence outlined above, the variant was classified as uncertain significance.

NM_172201.2(KCNE2):c.13T>C (p.Ser5Pro)

Genes: KCNE2 (potassium voltage-gated channel subfamily E regulatory subunit 2; plus strand), LOC105372791 (uncharacterized LOC105372791; minus strand). Cytogenetic location: 21q22.11.
Variant type: single nucleotide variant.
Coding change: c.13T>C on transcript NM_172201.2 (MANE Select); coding-DNA position 13, T replaced by C.
Protein change: p.Ser5Pro; replaces serine 5 with proline.
Molecular consequence: missense variant.
Genome position (GRCh38, 1-based): chr21:34,370,491, T>C. VCF-style: chr21-34370491-T-C. GRCh37 (hg19) VCF-style: chr21-35742790-T-C.
Other names: short protein forms S5P.
Identifiers: ClinVar variation 1217300 (VCV001217300.8), dbSNP rs2123423458, ClinGen allele CA410196092.